The following is an entry in ClinVar:

NM_001365536.1(SCN9A):c.4506C>A (p.Asn1502Lys)

Genes: SCN9A (sodium voltage-gated channel alpha subunit 9; minus strand), SCN1A-AS1 (SCN1A and SCN9A antisense RNA 1; plus strand). Cytogenetic location: 2q24.3.
Variant type: single nucleotide variant.
Coding change: c.4506C>A on transcript NM_001365536.1 (MANE Select); coding-DNA position 4506, C replaced by A.
Protein change: p.Asn1502Lys; replaces asparagine 1502 with lysine.
Molecular consequence: missense variant.
Genome position (GRCh38, 1-based): chr2:166,204,223, G>T on the plus strand (C>A on the coding strand, the complement: SCN9A is on the minus strand). VCF-style: chr2-166204223-G-T. GRCh37 (hg19) VCF-style: chr2-167060733-G-T.
Other names: c.4473C>A, p.Asn1491Lys (NM_002977.4); short protein forms N1491K, N1502K.
Identifiers: ClinVar variation 2001870 (VCV002001870.4), dbSNP rs1693682418, ClinGen allele CA349058100.
Genomic context (GRCh38, chr2:166,204,223, plus strand): 5'-CATGATACTAATATCAAAGGCTTGATTTGTCACTAGGTCAAATATACATCCTTGGATTTT[G>T]TTCTGCAAAGAAATAAGAATAATATCGAATGCAGAGTAAACTTTTCAAGTATTATCCAGA-3'
Protein context (NP_001352465.1, residues 1492-1512): KPQKPIPRPG[Asn1502Lys]KIQGCIFDLV

ClinVar aggregate classification (germline): Uncertain significance (1 of 4 stars; one submission).

Conditions:
Generalized epilepsy with febrile seizures plus, type 7 (GEFSP7). Also called: GEFS+, TYPE 7. Identifiers: Orphanet 36387, MedGen C2751778, MONDO:0013470, OMIM 613863.
Neuropathy, hereditary sensory and autonomic, type 2A (HSAN2A). Also called: MORVAN DISEASE; NEUROPATHY, CONGENITAL SENSORY; NEUROPATHY, HEREDITARY SENSORY RADICULAR, AUTOSOMAL RECESSIVE; NEUROPATHY, HEREDITARY SENSORY, TYPE IIA; NEUROPATHY, PROGRESSIVE SENSORY, OF CHILDREN; WNK1-Related HSAN2 (HSAN2A). Identifiers: Orphanet 970, MedGen C2752089, MONDO:0024309, OMIM 201300.

Allele frequency attached by ClinVar (database versions not stated): TOPMed below 0.00001.
gnomAD v4.1: 1 of 1,607,758 alleles (0.000062%); highest among the groups gnomAD compares: South Asian, 0.0011%; no homozygotes.

Submission:

Labcorp Genetics (formerly Invitae), Labcorp
Classification: Uncertain significance for Neuropathy, hereditary sensory and autonomic, type 2A; Generalized epilepsy with febrile seizures plus, type 7. Last evaluated: 2023-02-13. Review status: criteria provided, single submitter. Criteria: Invitae Variant Classification Sherloc (09022015). Collection method: clinical testing. Allele origin: germline.
Comment: Algorithms developed to predict the effect of missense changes on protein structure and function are either unavailable or do not agree on the potential impact of this missense change (SIFT: "Tolerated"; PolyPhen-2: "Probably Damaging"; Align-GVGD: "Class C0"). In summary, the available evidence is currently insufficient to determine the role of this variant in disease. Therefore, it has been classified as a Variant of Uncertain Significance. This variant has not been reported in the literature in individuals affected with SCN9A-related conditions. This variant is not present in population databases (gnomAD no frequency). This sequence change replaces asparagine, which is neutral and polar, with lysine, which is basic and polar, at codon 1491 of the SCN9A protein (p.Asn1491Lys).